The following is an entry in ClinVar:

ClinVar aggregate classification (germline): Uncertain significance. Review status: criteria provided, multiple submitters, no conflicts (2 of 4 stars). 2 submissions from 2 submitters: Uncertain significance (2). Last evaluated 2025-08-07.

gnomAD v4.1: 5 of 1,606,462 alleles (0.00031%); highest among the groups gnomAD compares: South Asian, 0.0011%; no homozygotes.

Submissions (2):

Labcorp Genetics (formerly Invitae), Labcorp
Classification: Uncertain significance. Last evaluated: 2025-08-07. Review status: criteria provided, single submitter. Criteria: Invitae Variant Classification Sherloc (09022015). Collection method: clinical testing. Allele origin: germline.
Comment: This sequence change replaces glycine, which is neutral and non-polar, with glutamic acid, which is acidic and polar, at codon 391 of the CARMIL2 protein (p.Gly391Glu). This variant is present in population databases (no rsID available, gnomAD 0.0008%). This variant has not been reported in the literature in individuals affected with CARMIL2-related conditions. ClinVar contains an entry for this variant (Variation ID: 3718696). An algorithm developed to predict the effect of missense changes on protein structure and function (PolyPhen-2) suggests that this variant is likely to be tolerated. In summary, the available evidence is currently insufficient to determine the role of this variant in disease. Therefore, it has been classified as a Variant of Uncertain Significance.

Blueprint Genetics
Classification: Uncertain significance. Last evaluated: 2020-11-02. Review status: criteria provided, single submitter. Criteria: ACMG Guidelines, 2015. Collection method: clinical testing. Allele origin: germline.

NM_001013838.3(CARMIL2):c.1172G>A (p.Gly391Glu)

Gene: CARMIL2 (capping protein regulator and myosin 1 linker 2; plus strand). Cytogenetic location: 16q22.1.
Variant type: single nucleotide variant.
Coding change: c.1172G>A on transcript NM_001013838.3 (MANE Select); coding-DNA position 1172, G replaced by A.
Protein change: p.Gly391Glu; replaces glycine 391 with glutamic acid.
Molecular consequence: missense variant. On other transcripts: intron variant (1).
Genome position (GRCh38, 1-based): chr16:67,648,152, G>A. VCF-style: chr16-67648152-G-A. GRCh37 (hg19) VCF-style: chr16-67682055-G-A.
Other names: c.1149+23G>A (NM_001317026.3); short protein forms G391E.
Identifiers: ClinVar variation 3718696 (VCV003718696.3).